The following is an entry in ClinVar:

ClinVar aggregate classification (germline): Uncertain significance (1 of 4 stars; one submission).

Conditions:
Oocyte/zygote/embryo maturation arrest 21 (OZEMA21). Identifiers: MedGen C5882722, MONDO:0957961, OMIM 620610.

gnomAD v4.1: 1 of 1,606,172 alleles (0.000062%); highest among the groups gnomAD compares: African/African-American, 0.0013%; no homozygotes.

Submission:

Juno Genomics, Hangzhou Juno Genomics, Inc
Classification: Uncertain significance for Oocyte/zygote/embryo maturation arrest 21. Review status: criteria provided, single submitter. Criteria: ACMG Guidelines, 2015. Collection method: clinical testing. Allele origin: germline.
Comment: Absent from controls (or at extremely low frequency if recessive) in Genome Aggregation Database.;Multiple lines of computational evidence support a deleterious effect on the gene or gene product.

NM_001114122.3(CHEK1):c.497A>G (p.Lys166Arg)

Gene: CHEK1 (checkpoint kinase 1; plus strand). Cytogenetic location: 11q24.2.
Variant type: single nucleotide variant.
Coding change: c.497A>G on transcript NM_001114122.3 (MANE Select); coding-DNA position 497, A replaced by G.
Protein change: p.Lys166Arg; replaces lysine 166 with arginine.
Molecular consequence: missense variant. On other transcripts: non-coding transcript variant (2).
Genome position (GRCh38, 1-based): chr11:125,633,235, A>G. VCF-style: chr11-125633235-A-G. GRCh37 (hg19) VCF-style: chr11-125503130-A-G.
Other names: c.497A>G, p.Lys166Arg (NM_001114121.2, NM_001244846.1, NM_001274.5); c.194A>G, p.Lys65Arg (NM_001330427.2); c.215A>G, p.Lys72Arg (NM_001330428.1); short protein forms K166R, K65R, K72R.
Identifiers: ClinVar variation 5018974 (VCV005018974.2).
Genomic context (GRCh38, chr11:125,633,235, plus strand): 5'-TCTCAGACTTTGGCTTGGCAACAGTATTTCGGTATAATAATCGTGAGCGTTTGTTGAACA[A>G]GATGTGTGGTACTTTACCATATGTTGCTCCAGAACTTCTGAAGAGAAGAGAATTTCATGC-3'
Protein context (NP_001107594.1, residues 156-176): RYNNRERLLN[Lys166Arg]MCGTLPYVAP